The following is an entry in ClinVar:

NM_024675.4(PALB2):c.2315A>G (p.Asp772Gly)

Gene: PALB2 (partner and localizer of BRCA2; minus strand). Cytogenetic location: 16p12.2.
Variant type: single nucleotide variant.
Coding change: c.2315A>G on transcript NM_024675.4 (MANE Select); coding-DNA position 2315, A replaced by G.
Protein change: p.Asp772Gly; replaces aspartic acid 772 with glycine.
Molecular consequence: missense variant. On other transcripts: intron variant (1).
Genome position (GRCh38, 1-based): chr16:23,629,839, T>C on the plus strand (A>G on the coding strand, the complement: PALB2 is on the minus strand). VCF-style: chr16-23629839-T-C. GRCh37 (hg19) VCF-style: chr16-23641160-T-C.
Other names: c.2255A>G, p.Asp752Gly (NM_001407296.1); c.2315A>G, p.Asp772Gly (NM_001407297.1, NM_001407298.1, NM_001407299.1 and 3 more transcripts); c.1430A>G, p.Asp477Gly (NM_001407304.1, NM_001407305.1, NM_001407306.1 and 5 more transcripts); c.527A>G, p.Asp176Gly (NM_001407312.1, NM_001407313.1); c.49-564A>G (NM_001407314.1); short protein forms D176G, D477G, D752G, D772G.
Identifiers: ClinVar variation 3228005 (VCV003228005.1), dbSNP rs2142375780, ClinGen allele CA395125179.

ClinVar aggregate classification (germline): Uncertain significance (1 of 4 stars; one submission).

Conditions:
Hereditary cancer-predisposing syndrome. Also called: Neoplastic Syndromes, Hereditary; Tumor predisposition; Hereditary neoplastic syndrome; Hereditary Cancer Syndrome. Identifiers: Orphanet 140162, MedGen C0027672, MeSH D009386, MONDO:0015356.

Submission:

Ambry Genetics
Classification: Uncertain significance for Hereditary cancer-predisposing syndrome. Last evaluated: 2023-11-23. Review status: criteria provided, single submitter. Criteria: Ambry Variant Classification Scheme 2023. Collection method: clinical testing. Allele origin: germline.
Comment: The p.D772G variant (also known as c.2315A>G), located in coding exon 5 of the PALB2 gene, results from an A to G substitution at nucleotide position 2315. The aspartic acid at codon 772 is replaced by glycine, an amino acid with similar properties. This amino acid position is conserved. In addition, this alteration is predicted to be tolerated by in silico analysis. Since supporting evidence is limited at this time, the clinical significance of this alteration remains unclear.